The following is an entry in ClinVar:

NM_001378778.1(MPDZ):c.2249G>A (p.Arg750Gln)

Gene: MPDZ (multiple PDZ domain crumbs cell polarity complex component; minus strand). Cytogenetic location: 9p23.
Variant type: single nucleotide variant.
Coding change: c.2249G>A on transcript NM_001378778.1 (MANE Select); coding-DNA position 2249, G replaced by A.
Protein change: p.Arg750Gln; replaces arginine 750 with glutamine.
Molecular consequence: missense variant.
Genome position (GRCh38, 1-based): chr9:13,188,899, C>T on the plus strand (G>A on the coding strand, the complement: MPDZ is on the minus strand). VCF-style: chr9-13188899-C-T. GRCh37 (hg19) VCF-style: chr9-13188898-C-T.
Other names: c.2249G>A, p.Arg750Gln (NM_001261406.2, NM_001261407.2, NM_001330637.2 and 14 more transcripts); c.2249G>A (NM_003829.3); short protein forms R750Q.
Identifiers: ClinVar variation 1422460 (VCV001422460.7), dbSNP rs200354237, ClinGen allele CA4987518.

ClinVar aggregate classification (germline): Uncertain significance. Review status: criteria provided, multiple submitters, no conflicts (2 of 4 stars). 2 submissions from 2 submitters: Uncertain significance (2). Last evaluated 2023-03-27.

Conditions:
Inborn genetic diseases. Identifiers: MedGen C0950123, MeSH D030342.

Allele frequency attached by ClinVar (database versions not stated): ExAC 0.00001; gnomAD 0.00001; gnomAD exomes 0.00001 and 0.00002; TOPMed 0.00001.
gnomAD v4.1: 9 of 1,613,422 alleles (0.00056%); highest among the groups gnomAD compares: South Asian, 0.0044%; no homozygotes.

Submissions (2):

Ambry Genetics
Classification: Uncertain significance for Inborn genetic diseases. Last evaluated: 2023-03-27. Review status: criteria provided, single submitter. Criteria: Ambry Variant Classification Scheme 2023. Collection method: clinical testing. Allele origin: germline.

Labcorp Genetics (formerly Invitae), Labcorp
Classification: Uncertain significance. Last evaluated: 2022-11-22. Review status: criteria provided, single submitter. Criteria: Invitae Variant Classification Sherloc (09022015). Collection method: clinical testing. Allele origin: germline.
Comment: In summary, the available evidence is currently insufficient to determine the role of this variant in disease. Therefore, it has been classified as a Variant of Uncertain Significance. Algorithms developed to predict the effect of missense changes on protein structure and function (SIFT, PolyPhen-2, Align-GVGD) all suggest that this variant is likely to be disruptive. ClinVar contains an entry for this variant (Variation ID: 1422460). This variant has not been reported in the literature in individuals affected with MPDZ-related conditions. This variant is present in population databases (rs200354237, gnomAD 0.01%). This sequence change replaces arginine, which is basic and polar, with glutamine, which is neutral and polar, at codon 750 of the MPDZ protein (p.Arg750Gln).